The following is an entry in ClinVar:

ClinVar aggregate classification (germline): Likely benign (1 of 4 stars; one submission).

Allele frequency attached by ClinVar (database versions not stated): gnomAD exomes below 0.00001.
gnomAD v4.1: 4 of 1,613,984 alleles (0.00025%); highest among the groups gnomAD compares: Non-Finnish European, 0.000085%; no homozygotes.

Submission:

CeGaT Center for Human Genetics Tuebingen
Classification: Likely benign. Last evaluated: 2022-03-01. Review status: criteria provided, single submitter. Criteria: CeGaT Center For Human Genetics Tuebingen Variant Classification Criteria Version 2. Collection method: clinical testing. Allele origin: germline. Affected: yes. Observed: 1 variant allele.
Comment: UHMK1: BP4, BP7

NM_175866.5(UHMK1):c.594G>C (p.Arg198=)

Gene: UHMK1 (U2AF homology motif kinase 1; plus strand). Cytogenetic location: 1q23.3.
Variant type: single nucleotide variant.
Coding change: c.594G>C on transcript NM_175866.5 (MANE Select); coding-DNA position 594, G replaced by C.
Protein change: p.Arg198=; no amino-acid change (arginine 198 retained).
Molecular consequence: synonymous variant.
Genome position (GRCh38, 1-based): chr1:162,500,945, G>C. VCF-style: chr1-162500945-G-C. GRCh37 (hg19) VCF-style: chr1-162470735-G-C.
Other names: c.372G>C, p.Arg124= (NM_001184763.1); c.594G>C, p.Arg198= (NM_144624.2).
Identifiers: ClinVar variation 2639521 (VCV002639521.24), dbSNP rs1557939351, ClinGen allele CA421447951.